The following is an entry in ClinVar:

ClinVar aggregate classification (germline): Uncertain significance. Review status: criteria provided, multiple submitters, no conflicts (2 of 4 stars). 2 submissions from 2 submitters: Uncertain significance (2). Last evaluated 2024-11-15.

Allele frequency attached by ClinVar (database versions not stated): gnomAD exomes below 0.00001; TOPMed 0.00001; gnomAD 0.00002; ESP Exome Variant Server 0.00009.

Submissions (2):

Ambry Genetics
Classification: Uncertain significance. Last evaluated: 2024-11-15. Review status: criteria provided, single submitter. Criteria: Ambry Variant Classification Scheme 2023. Collection method: clinical testing. Allele origin: germline.

Labcorp Genetics (formerly Invitae), Labcorp
Classification: Uncertain significance. Last evaluated: 2023-07-25. Review status: criteria provided, single submitter. Criteria: Invitae Variant Classification Sherloc (09022015). Collection method: clinical testing. Allele origin: germline.
Comment: In summary, the available evidence is currently insufficient to determine the role of this variant in disease. Therefore, it has been classified as a Variant of Uncertain Significance. This sequence change replaces valine, which is neutral and non-polar, with isoleucine, which is neutral and non-polar, at codon 1472 of the NEXMIF protein (p.Val1472Ile). This variant is not present in population databases (gnomAD no frequency). This variant has not been reported in the literature in individuals affected with NEXMIF-related conditions. Algorithms developed to predict the effect of missense changes on protein structure and function output the following: SIFT: "Not Available"; PolyPhen-2: "Benign"; Align-GVGD: "Not Available". The isoleucine amino acid residue is found in multiple mammalian species, which suggests that this missense change does not adversely affect protein function.

NM_001008537.3(NEXMIF):c.4414G>A (p.Val1472Ile)

Gene: NEXMIF (neurite extension and migration factor; minus strand). Cytogenetic location: Xq13.3.
Variant type: single nucleotide variant.
Coding change: c.4414G>A on transcript NM_001008537.3 (MANE Select); coding-DNA position 4414, G replaced by A.
Protein change: p.Val1472Ile; replaces valine 1472 with isoleucine.
Molecular consequence: missense variant.
Genome position (GRCh38, 1-based): chrX:74,740,143, C>T on the plus strand (G>A on the coding strand, the complement: NEXMIF is on the minus strand). VCF-style: chrX-74740143-C-T. GRCh37 (hg19) VCF-style: chrX-73959978-C-T.
Other names: c.4414G>A (NM_001008537.2); short protein forms V1472I.
Identifiers: ClinVar variation 2881170 (VCV002881170.4), dbSNP rs142635989, ClinGen allele CA331301683.